The following is an entry in ClinVar:

ClinVar aggregate classification (germline): Uncertain significance. Review status: criteria provided, multiple submitters, no conflicts (2 of 4 stars). 2 submissions from 2 submitters: Uncertain significance (2). Last evaluated 2022-12-28.

Conditions:
Inborn genetic diseases. Identifiers: MedGen C0950123, MeSH D030342.

Allele frequency attached by ClinVar (database versions not stated): gnomAD 0.00001; gnomAD exomes 0.00001; ExAC 0.00002; TOPMed 0.00002.

Submissions (2):

Ambry Genetics
Classification: Uncertain significance for Inborn genetic diseases. Last evaluated: 2022-12-28. Review status: criteria provided, single submitter. Criteria: Ambry Variant Classification Scheme 2023. Collection method: clinical testing. Allele origin: germline.

Mayo Clinic Laboratories, Mayo Clinic
Classification: Uncertain significance. Last evaluated: 2022-10-26. Review status: criteria provided, single submitter. Criteria: ACMG Guidelines, 2015. Collection method: clinical testing. Allele origin: germline. Observed: 1 variant allele.
Comment: PM2

NM_194248.3(OTOF):c.2923G>A (p.Ala975Thr)

Gene: OTOF (otoferlin; minus strand). Cytogenetic location: 2p23.3.
Variant type: single nucleotide variant.
Coding change: c.2923G>A on transcript NM_194248.3 (MANE Select); coding-DNA position 2923, G replaced by A.
Protein change: p.Ala975Thr; replaces alanine 975 with threonine.
Molecular consequence: missense variant.
Genome position (GRCh38, 1-based): chr2:26,475,982, C>T on the plus strand (G>A on the coding strand, the complement: OTOF is on the minus strand). VCF-style: chr2-26475982-C-T. GRCh37 (hg19) VCF-style: chr2-26698850-C-T.
Other names: p.Ala975Thr; c.2923G>A, p.Ala975Thr (NM_001287489.2); c.682G>A, p.Ala228Thr (NM_004802.4, NM_194323.3); c.853G>A, p.Ala285Thr (NM_194322.3); short protein forms A228T, A285T, A975T.
Identifiers: ClinVar variation 2346824 (VCV002346824.3), dbSNP rs200142505, ClinGen allele CA1563725.